The following is an entry in ClinVar:

ClinVar aggregate classification (germline): Pathogenic (1 of 4 stars; one submission).

Submission:

Labcorp Genetics (formerly Invitae), Labcorp
Classification: Pathogenic. Last evaluated: 2022-11-08. Review status: criteria provided, single submitter. Criteria: Invitae Variant Classification Sherloc (09022015). Collection method: clinical testing. Allele origin: germline.
Comment: This variant is not present in population databases (gnomAD no frequency). This sequence change creates a premature translational stop signal (p.Pro407Hisfs*55) in the FOXP1 gene. It is expected to result in an absent or disrupted protein product. Loss-of-function variants in FOXP1 are known to be pathogenic (PMID: 28735298). This variant has not been reported in the literature in individuals affected with FOXP1-related conditions. For these reasons, this variant has been classified as Pathogenic.

Literature cited by the submitters: PubMed 28735298.

NM_001349338.3(FOXP1):c.1216_1219dup (p.Pro407fs)

Gene: FOXP1 (forkhead box P1; minus strand). Cytogenetic location: 3p13.
Variant type: Duplication.
Coding change: c.1216_1219dup on transcript NM_001349338.3 (MANE Select); coding-DNA positions 1216 to 1219, 4 bases duplicated (ACTC; older notation c.1216_1219dupACTC).
Protein change: p.Pro407fs; shifts the reading frame from proline 407.
Molecular consequence: frameshift variant. On other transcripts: non-coding transcript variant (2).
Genome position (GRCh38, 1-based): chr3:70,977,957-70,977,960, GAGT duplicated on the plus strand (ACTC on the coding strand, the reverse complement: FOXP1 is on the minus strand). VCF-style (leftmost placement, unchanged base first): chr3-70977956-G-GGAGT. GRCh37 (hg19) VCF-style: chr3-71027107-G-GGAGT.
Other names: c.1216_1219dup, p.Pro407fs (NM_001244808.3, NM_001244810.2, NM_001244814.3 and 3 more transcripts); c.988_991dup, p.Pro331fs (NM_001244812.3); c.916_919dup, p.Pro307fs (NM_001244813.3, NM_001244815.2, NM_001349342.3 and 1 more transcripts); c.913_916dup, p.Pro306fs (NM_001349337.2, NM_001349343.3, NM_001349344.3); c.1216_1219dup, p.Pro407Hisfs (NM_001349339.1); c.1213_1216dup, p.Pro406fs (NM_001349341.3); short protein forms P306fs, P407fs, P307fs, P331fs, P406fs.
Identifiers: ClinVar variation 2812966 (VCV002812966.3), dbSNP rs2545125396, ClinGen allele CA2739279228.